The following is an entry in ClinVar:

NM_024105.4(ALG12):c.764G>C (p.Trp255Ser)

Gene: ALG12 (ALG12 alpha-1,6-mannosyltransferase; minus strand). Cytogenetic location: 22q13.33.
Variant type: single nucleotide variant.
Coding change: c.764G>C on transcript NM_024105.4 (MANE Select); coding-DNA position 764, G replaced by C.
Protein change: p.Trp255Ser; replaces tryptophan 255 with serine.
Molecular consequence: missense variant.
Genome position (GRCh38, 1-based): chr22:49,909,248, C>G on the plus strand (G>C on the coding strand, the complement: ALG12 is on the minus strand). VCF-style: chr22-49909248-C-G. GRCh37 (hg19) VCF-style: chr22-50302896-C-G.
Other names: short protein forms W255S.
Identifiers: ClinVar variation 4056011 (VCV004056011.1).
Genomic context (GRCh38, chr22:49,909,248, plus strand): 5'-GGAGATGTGGCTGCAGGTCCCACCCATCGCCCTCCTGCACGGACACTGAAGGATACCCCC[C>G]AGTTGGAGCTTTTGTTCAGGACAGTGTTGTACCAAAGCACCTTTCCTTCCGGCCAAGTGA-3'
Protein context (NP_077010.1, residues 245-265): YNTVLNKSSN[Trp255Ser]GTSPLLWYFY

ClinVar aggregate classification (germline): Uncertain significance (1 of 4 stars; one submission).

Submission:

GeneDx
Classification: Uncertain significance. Last evaluated: 2025-01-05. Review status: criteria provided, single submitter. Criteria: GeneDx Variant Classification Process June 2021. Collection method: clinical testing. Allele origin: germline. Affected: yes.
Comment: Not observed at significant frequency in large population cohorts (gnomAD); In silico analysis supports that this missense variant has a deleterious effect on protein structure/function; Has not been previously published as pathogenic or benign to our knowledge